The following is an entry in ClinVar:

ClinVar aggregate classification (germline): Uncertain significance (1 of 4 stars; one submission).

Conditions:
Cone-rod dystrophy 6 (CORD6). Also called: RETINAL CONE DYSTROPHY 2; Cone dystrophy progressive. Identifiers: Orphanet 1872, MedGen C1866293, MONDO:0011143, OMIM 601777.
Leber congenital amaurosis 1 (LCA1). Also called: Congenital absence of the rods and cones; Leber's congenital tapetoretinal degeneration; Leber's congenital tapetoretinal dysplasia; RETINAL BLINDNESS, CONGENITAL; AMAUROSIS CONGENITA OF LEBER I. Identifiers: Orphanet 65, MedGen C2931258, MONDO:0008764, OMIM 204000.

Submission:

Labcorp Genetics (formerly Invitae), Labcorp
Classification: Uncertain significance for Leber congenital amaurosis 1; Cone-rod dystrophy 6. Last evaluated: 2022-02-28. Review status: criteria provided, single submitter. Criteria: Invitae Variant Classification Sherloc (09022015). Collection method: clinical testing. Allele origin: germline.
Comment: This sequence change replaces valine, which is neutral and non-polar, with leucine, which is neutral and non-polar, at codon 466 of the GUCY2D protein (p.Val466Leu). This variant is present in population databases (rs771764405, gnomAD 0.002%). This variant has not been reported in the literature in individuals affected with GUCY2D-related conditions. Algorithms developed to predict the effect of missense changes on protein structure and function are either unavailable or do not agree on the potential impact of this missense change (SIFT: "Deleterious"; PolyPhen-2: "Benign"; Align-GVGD: "Class C0"). In summary, the available evidence is currently insufficient to determine the role of this variant in disease. Therefore, it has been classified as a Variant of Uncertain Significance.

NM_000180.4(GUCY2D):c.1396G>C (p.Val466Leu)

Gene: GUCY2D (guanylate cyclase 2D, retinal; plus strand). Cytogenetic location: 17p13.1.
Variant type: single nucleotide variant.
Coding change: c.1396G>C on transcript NM_000180.4 (MANE Select); coding-DNA position 1396, G replaced by C.
Protein change: p.Val466Leu; replaces valine 466 with leucine.
Molecular consequence: missense variant.
Genome position (GRCh38, 1-based): chr17:8,007,077, G>C. VCF-style: chr17-8007077-G-C. GRCh37 (hg19) VCF-style: chr17-7910395-G-C.
Other names: short protein forms V466L.
Identifiers: ClinVar variation 2197843 (VCV002197843.1), dbSNP rs771764405, ClinGen allele CA8365739.